The following is an entry in ClinVar:

ClinVar aggregate classification (germline): Pathogenic. Review status: criteria provided, multiple submitters, no conflicts (2 of 4 stars). 2 submissions from 2 submitters: Pathogenic (2). Last evaluated 2023-09-23.

Conditions:
Maple syrup urine disease (MSUD). Identifiers: Orphanet 511, MedGen C0024776, MeSH D008375, MONDO:0009563. Disease mechanism: loss of function.

Submissions (2):

Labcorp Genetics (formerly Invitae), Labcorp
Classification: Pathogenic for Maple syrup urine disease. Last evaluated: 2023-09-23. Review status: criteria provided, single submitter. Criteria: Invitae Variant Classification Sherloc (09022015). Collection method: clinical testing. Allele origin: germline.
Comment: This sequence change creates a premature translational stop signal (p.Thr91Serfs*34) in the DBT gene. It is expected to result in an absent or disrupted protein product. Loss-of-function variants in DBT are known to be pathogenic (PMID: 16579849, 16786533). This variant is not present in population databases (gnomAD no frequency). For these reasons, this variant has been classified as Pathogenic. ClinVar contains an entry for this variant (Variation ID: 94000). This variant has not been reported in the literature in individuals affected with DBT-related conditions.

Eurofins Ntd Llc (ga)
Classification: Pathogenic. Last evaluated: 2013-08-23. Review status: criteria provided, single submitter. Criteria: EGL Classification Definitions. Collection method: clinical testing. Allele origin: germline. Observed: 3 variant alleles, 2 heterozygotes, 1 homozygote.

Literature cited by the submitters: PubMed 16579849 (cited by Labcorp Genetics (formerly Invitae), Labcorp); PubMed 16786533 (cited by Labcorp Genetics (formerly Invitae), Labcorp).

NM_001918.5(DBT):c.272_275del (p.Thr91fs)

Gene: DBT (dihydrolipoamide branched chain transacylase E2; minus strand). Cytogenetic location: 1p21.2.
Variant type: Deletion.
Coding change: c.272_275del on transcript NM_001918.5 (MANE Select); coding-DNA positions 272 to 275, 4 bases deleted (CAGT; older notation c.272_275delCAGT).
Protein change: p.Thr91fs; shifts the reading frame from threonine 91.
Molecular consequence: frameshift variant.
Genome position (GRCh38, 1-based): chr1:100,230,891-100,230,894, ACTG deleted on the plus strand (CAGT on the coding strand, the reverse complement: DBT is on the minus strand). VCF-style (leftmost placement, unchanged base first): chr1-100230890-CACTG-C. GRCh37 (hg19) VCF-style: chr1-100696446-CACTG-C.
Other names: short protein forms T91fs.
Identifiers: ClinVar variation 94000 (VCV000094000.9), dbSNP rs398123666, ClinGen allele CA221888.